The following is an entry in ClinVar:

NM_016579.4(CD320):c.193G>A (p.Gly65Ser)

Gene: CD320 (CD320 molecule; minus strand). Cytogenetic location: 19p13.2.
Variant type: single nucleotide variant.
Coding change: c.193G>A on transcript NM_016579.4 (MANE Select); coding-DNA position 193, G replaced by A.
Protein change: p.Gly65Ser; replaces glycine 65 with serine.
Molecular consequence: missense variant. On other transcripts: intron variant (1).
Genome position (GRCh38, 1-based): chr19:8,305,106, C>T on the plus strand (G>A on the coding strand, the complement: CD320 is on the minus strand). VCF-style: chr19-8305106-C-T. GRCh37 (hg19) VCF-style: chr19-8369990-C-T.
Other names: c.143-1018G>A (NM_001165895.2); short protein forms G65S.
Identifiers: ClinVar variation 3766659 (VCV003766659.1).

ClinVar aggregate classification (germline): Uncertain significance (1 of 4 stars; one submission).

Conditions:
Methylmalonic acidemia due to transcobalamin receptor defect (MATR). Also called: METHYLMALONIC ACIDEMIA, TCblR TYPE; METHYLMALONIC ACIDURIA, TRANSIENT, DUE TO TRANSCOBALAMIN RECEPTOR DEFECT. Identifiers: Orphanet 280183, MedGen C4749905, MONDO:0013341, OMIM 613646.

Submission:

ARUP Laboratories, Molecular Genetics and Genomics, ARUP Laboratories
Classification: Uncertain significance for Methylmalonic acidemia due to transcobalamin receptor defect. Last evaluated: 2024-06-10. Review status: criteria provided, single submitter. Criteria: ARUP Molecular Germline Variant Investigation Process 2024. Collection method: clinical testing. Allele origin: germline.
Comment: The CD320 c.193G>A; p.Gly65Ser variant (rs1198345119), to our knowledge, is not reported in the medical literature or gene specific databases. This variant is only found on two alleles in the Genome Aggregation Database (v2.1.1), indicating it is not a common polymorphism. Computational analyses are uncertain whether this variant is neutral or deleterious (REVEL: 0.475). Due to limited information, the clinical significance of this variant is uncertain at this time.